The following is an entry in ClinVar:

NM_000094.4(COL7A1):c.1241-3C>A

Gene: COL7A1 (collagen type VII alpha 1 chain; minus strand). Cytogenetic location: 3p21.31.
Variant type: single nucleotide variant.
Coding change: c.1241-3C>A on transcript NM_000094.4 (MANE Select); 3 bases into the intron before coding-DNA position 1241, C replaced by A.
Molecular consequence: intron variant.
Genome position (GRCh38, 1-based): chr3:48,592,017, G>T on the plus strand (C>A on the coding strand, the complement: COL7A1 is on the minus strand). VCF-style: chr3-48592017-G-T. GRCh37 (hg19) VCF-style: chr3-48629450-G-T.
Identifiers: ClinVar variation 1905099 (VCV001905099.2), dbSNP rs1418541064, ClinGen allele CA2580070051.

ClinVar aggregate classification (germline): Uncertain significance (1 of 4 stars; one submission).

Submission:

Labcorp Genetics (formerly Invitae), Labcorp
Classification: Uncertain significance. Last evaluated: 2020-10-31. Review status: criteria provided, single submitter. Criteria: Invitae Variant Classification Sherloc (09022015). Collection method: clinical testing. Allele origin: germline.
Comment: This sequence change falls in intron 9 of the COL7A1 gene. It does not directly change the encoded amino acid sequence of the COL7A1 protein. It affects a nucleotide within the consensus splice site of the intron. This variant is not present in population databases (ExAC no frequency). This variant has not been reported in the literature in individuals with COL7A1-related conditions. Nucleotide substitutions within the consensus splice site are a relatively common cause of aberrant splicing (PMID: 17576681, 9536098). Algorithms developed to predict the effect of sequence changes on RNA splicing suggest that this variant may disrupt the consensus splice site, but this prediction has not been confirmed by published transcriptional studies. In summary, the available evidence is currently insufficient to determine the role of this variant in disease. Therefore, it has been classified as a Variant of Uncertain Significance.

Literature cited by the submitters: PubMed 17576681; PubMed 9536098.